The following is an entry in ClinVar:

ClinVar aggregate classification (germline): Uncertain significance. Review status: criteria provided, multiple submitters, no conflicts (2 of 4 stars). 4 submissions from 4 submitters: Uncertain significance (4). Last evaluated 2025-07-22.

Conditions:
Hypertrophic cardiomyopathy 11. Also called: ACTC1-Related Familial Hypertrophic Cardiomyopathy. Identifiers: MedGen C2677506, MONDO:0012799, OMIM 612098.
Dilated cardiomyopathy 1R (CMD1R). Identifiers: Orphanet 154, Orphanet 54260, MedGen C3150681, MONDO:0013261, OMIM 613424.
Atrial septal defect 5 (ASD5). Identifiers: Orphanet 1478, MedGen C2748552, MONDO:0013011, OMIM 612794.
Primary dilated cardiomyopathy (DCM). Also called: Dilated Cardiomyopathy. Identifiers: Orphanet 217604, MedGen C0007193, MeSH D002311, MONDO:0005021, HP:0001644. Inheritance: Various modes of inheritance.
Hypertrophic cardiomyopathy. Also called: HYPERTROPHIC MYOCARDIOPATHY. Identifiers: Orphanet 217569, MedGen C0007194, MeSH D002312, MONDO:0005045, HP:0001639.

gnomAD v4.1: 4 of 1,614,228 alleles (0.00025%); highest among the groups gnomAD compares: Non-Finnish European, 0.00034%; no homozygotes.

Submissions (4):

Labcorp Genetics (formerly Invitae), Labcorp
Classification: Uncertain significance for Dilated cardiomyopathy 1R; Hypertrophic cardiomyopathy 11; Atrial septal defect 5. Last evaluated: 2025-07-22. Review status: criteria provided, single submitter. Criteria: Invitae Variant Classification Sherloc (09022015). Collection method: clinical testing. Allele origin: germline.
Comment: This sequence change replaces isoleucine, which is neutral and non-polar, with methionine, which is neutral and non-polar, at codon 252 of the ACTC1 protein (p.Ile252Met). This variant is not present in population databases (gnomAD no frequency). This missense change has been observed in individual(s) with clinical features of dilated cardiomyopathy (PMID: 22464770; internal data). ClinVar contains an entry for this variant (Variation ID: 162706). Invitae Evidence Modeling of protein sequence and biophysical properties (such as structural, functional, and spatial information, amino acid conservation, physicochemical variation, residue mobility, and thermodynamic stability) indicates that this missense variant is not expected to disrupt ACTC1 protein function with a negative predictive value of 80%. This variant disrupts the p.Ile252 amino acid residue in ACTC1. Other variant(s) that disrupt this residue have been observed in individuals with ACTC1-related conditions (PMID: 28416588; internal data), which suggests that this may be a clinically significant amino acid residue. In summary, the available evidence is currently insufficient to determine the role of this variant in disease. Therefore, it has been classified as a Variant of Uncertain Significance.

All of Us Research Program, National Institutes of Health
Classification: Uncertain significance for Hypertrophic cardiomyopathy. Last evaluated: 2023-10-06. Review status: criteria provided, single submitter. Criteria: ACMG Guidelines, 2015. Collection method: clinical testing. Allele origin: germline. Inheritance: Autosomal dominant inheritance. Observed: 1 variant allele, 1 heterozygote.
Comment: This missense variant replaces isoleucine with methionine at codon 252 of the ACTC1 protein. Computational prediction suggests that this variant may have deleterious impact on protein structure and function (internally defined REVEL score threshold >= 0.7, PMID: 27666373). To our knowledge, functional studies have not been reported for this variant. This variant has been reported in one individual affected with dilated cardiomyopathy (PMID: 22464770). This variant has not been identified in the general population by the Genome Aggregation Database (gnomAD). The available evidence is insufficient to determine the role of this variant in disease conclusively. Therefore, this variant is classified as a Variant of Uncertain Significance.

This study involves interpretation of variants in research participants for the purpose of population health screening. Participant phenotype was not available at the time of variant classification. Additional details can be found in publication PMID: 35346344, PMCID: PMC8962531

Genetics and Molecular Pathology, SA Pathology
Classification: Uncertain significance for Primary dilated cardiomyopathy. Last evaluated: 2023-07-05. Review status: criteria provided, single submitter. Criteria: ACMG Guidelines, 2015. Collection method: clinical testing. Allele origin: germline. Affected: yes.
Comment: The ACTC1 c.756T>G variant is classified as VUS (PM2, PS4_Supporting, PP2, PP3) The ACTC1 c.756T>G variant is a single nucleotide change in exon 5/7 of the ACTC1 gene, which is predicted to change the amino acid isoleucine at position 252 in the protein, to methionine. The variant has been reported in at least 3 probands with a clinical presentation of Dilated Cardiomyopathy (PMID#22464770 and ClinVar)(PS4_Supporting) and is absent from population databases (PM2). This is a missense variant in a constrained gene where missense variants are a common mechanism of disease and benign variation is rare (PP2). A different change to the same amino acid (p.Ile252Thr) has also been reported in individuals with DCM. This variant is in a region of the gene highly intolerant to change and computational predictions support a deleterious effect on the gene or gene product (PP3). The variant has been reported in dbSNP (rs371940910), is reported as disease causing in the HGMD database (CM22827) and reported as uncertain significance by other diagnostic laboratories (ClinVar Variation ID: 162706).

Laboratory for Molecular Medicine, Mass General Brigham Personalized Medicine
Classification: Uncertain significance. Last evaluated: 2019-06-28. Review status: criteria provided, single submitter. Criteria: LMM Criteria. Collection method: clinical testing. Allele origin: germline. Observed: 2 variant alleles.
Comment: Computational prediction tools and conservation analysis do not provide strong evidence for or against an impact to the protien. In summary, the clinical significance of this variant is uncertain. ACMG/AMP Criteria applied: PM2.

Literature cited by the submitters: PubMed 22464770 (cited by 3 submitters); PubMed 28416588 (cited by Labcorp Genetics (formerly Invitae), Labcorp).

NM_005159.5(ACTC1):c.756T>G (p.Ile252Met)

Genes: ACTC1 (actin alpha cardiac muscle 1; minus strand), GJD2-DT (GJD2 divergent transcript; plus strand). Cytogenetic location: 15q14.
Variant type: single nucleotide variant.
Coding change: c.756T>G on transcript NM_005159.5 (MANE Select); coding-DNA position 756, T replaced by G.
Protein change: p.Ile252Met; replaces isoleucine 252 with methionine.
Molecular consequence: missense variant.
Genome position (GRCh38, 1-based): chr15:34,792,142, A>C on the plus strand (T>G on the coding strand, the complement: ACTC1 is on the minus strand). VCF-style: chr15-34792142-A-C. GRCh37 (hg19) VCF-style: chr15-35084343-A-C.
Other names: short protein forms I252M.
Identifiers: ClinVar variation 162706 (VCV000162706.10), dbSNP rs371940910, ClinGen allele CA019899.